The following is an entry in ClinVar:

ClinVar aggregate classification (germline): Uncertain significance. Review status: criteria provided, multiple submitters, no conflicts (2 of 4 stars). 3 submissions from 3 submitters: Uncertain significance (3). Last evaluated 2023-06-29.

Conditions:
Inborn genetic diseases. Identifiers: MedGen C0950123, MeSH D030342.
Joubert syndrome. Also called: CEREBELLOPARENCHYMAL DISORDER IV; JOUBERT-BOLTSHAUSER SYNDROME; Familial aplasia of the vermis. Identifiers: Orphanet 475, MedGen C5979921, MONDO:0018772.
Meckel-Gruber syndrome. Also called: DYSENCEPHALIA SPLANCHNOCYSTICA; GRUBER SYNDROME; Dysencephalia splachnocystica. Identifiers: Orphanet 564, MedGen C0265215, MONDO:0018921.

Allele frequency attached by ClinVar (database versions not stated): gnomAD exomes below 0.00001; ExAC 0.00001; gnomAD 0.00001.
gnomAD v4.1: 5 of 1,614,036 alleles (0.00031%); highest among the groups gnomAD compares: South Asian, 0.0044%; no homozygotes.

Submissions (3):

Ambry Genetics
Classification: Uncertain significance for Inborn genetic diseases. Last evaluated: 2023-06-29. Review status: criteria provided, single submitter. Criteria: Ambry Variant Classification Scheme 2023. Collection method: clinical testing. Allele origin: germline.

GeneDx
Classification: Uncertain significance. Last evaluated: 2022-10-05. Review status: criteria provided, single submitter. Criteria: GeneDx Variant Classification Process June 2021. Collection method: clinical testing. Allele origin: germline. Affected: yes.
Comment: Not observed at significant frequency in large population cohorts (gnomAD); In silico analysis supports that this missense variant does not alter protein structure/function; Has not been previously published as pathogenic or benign to our knowledge

Labcorp Genetics (formerly Invitae), Labcorp
Classification: Uncertain significance for Joubert syndrome; Meckel-Gruber syndrome. Last evaluated: 2021-12-17. Review status: criteria provided, single submitter. Criteria: Invitae Variant Classification Sherloc (09022015). Collection method: clinical testing. Allele origin: germline.
Comment: This sequence change replaces valine, which is neutral and non-polar, with isoleucine, which is neutral and non-polar, at codon 669 of the TCTN2 protein (p.Val669Ile). This variant is present in population databases (rs768699111, gnomAD 0.003%). This variant has not been reported in the literature in individuals affected with TCTN2-related conditions. Algorithms developed to predict the effect of missense changes on protein structure and function output the following: SIFT: "Tolerated"; PolyPhen-2: "Benign"; Align-GVGD: "Class C0". The isoleucine amino acid residue is found in multiple mammalian species, which suggests that this missense change does not adversely affect protein function. In summary, the available evidence is currently insufficient to determine the role of this variant in disease. Therefore, it has been classified as a Variant of Uncertain Significance.

NM_024809.5(TCTN2):c.2005G>A (p.Val669Ile)

Gene: TCTN2 (tectonic family member 2; plus strand). Cytogenetic location: 12q24.31.
Variant type: single nucleotide variant.
Coding change: c.2005G>A on transcript NM_024809.5 (MANE Select); coding-DNA position 2005, G replaced by A.
Protein change: p.Val669Ile; replaces valine 669 with isoleucine.
Molecular consequence: missense variant.
Genome position (GRCh38, 1-based): chr12:123,707,624, G>A. VCF-style: chr12-123707624-G-A. GRCh37 (hg19) VCF-style: chr12-124192171-G-A.
Other names: c.2002G>A, p.Val668Ile (NM_001143850.3); c.2005G>A (NM_024809.3, NM_024809.4); short protein forms V669I, V668I.
Identifiers: ClinVar variation 1395928 (VCV001395928.9), dbSNP rs768699111, ClinGen allele CA6861421.
Genomic context (GRCh38, chr12:123,707,624, plus strand): 5'-TAAGAAATACTGCTGTTGAATTTTGTCCATTGTTTTTCAGGGGAGCTGCATTCTCAGTGT[G>A]TTGCTAAGGGCTTACTGTTGCTGTTGTTCCTCACATTGGCCTTGTTCCTCAGCAACCCCT-3'
Protein context (NP_079085.2, residues 659-679): YYQGELHSQC[Val669Ile]AKGLLLLLFL